The following is an entry in ClinVar:

ClinVar aggregate classification (germline): Likely benign (1 of 4 stars; one submission).

Submission:

CeGaT Center for Human Genetics Tuebingen
Classification: Likely benign. Last evaluated: 2024-11-01. Review status: criteria provided, single submitter. Criteria: CeGaT Center For Human Genetics Tuebingen Variant Classification Criteria Version 2. Collection method: clinical testing. Allele origin: germline. Affected: yes. Observed: 1 variant allele.
Comment: CELSR3: BP4, BS2

NM_001407.3(CELSR3):c.7355G>A (p.Arg2452His)

Gene: CELSR3 (cadherin EGF LAG seven-pass G-type receptor 3; minus strand). Cytogenetic location: 3p21.31.
Variant type: single nucleotide variant.
Coding change: c.7355G>A on transcript NM_001407.3 (MANE Select); coding-DNA position 7355, G replaced by A.
Protein change: p.Arg2452His; replaces arginine 2452 with histidine.
Molecular consequence: missense variant.
Genome position (GRCh38, 1-based): chr3:48,646,198, C>T on the plus strand (G>A on the coding strand, the complement: CELSR3 is on the minus strand). VCF-style: chr3-48646198-C-T. GRCh37 (hg19) VCF-style: chr3-48683631-C-T.
Other names: short protein forms R2452H.
Identifiers: ClinVar variation 3388961 (VCV003388961.14).
Genomic context (GRCh38, chr3:48,646,198, plus strand): 5'-GTCTGTAGCAGGCGAAACTCTAGGCTGATGGGGGACTCCAGGATTCCCCTTAGGAAGTTG[C>T]GTCCGTGGAACACAGCCACGCTGACCACCGGGGAGTTCATGACGGGGTTCTGAGGAAGCC-3'
Protein context (NP_001398.2, residues 2442-2462): PVVSVAVFHG[Arg2452His]NFLRGILESP